The following is an entry in ClinVar:

ClinVar aggregate classification (germline): Uncertain significance (1 of 4 stars; one submission).

Conditions:
Congenital disorder of deglycosylation (CDDG). Identifiers: MedGen C3808991, MONDO:0031376.

Allele frequency attached by ClinVar (database versions not stated): gnomAD 0.00001; TOPMed 0.00001; gnomAD exomes 0.00003; ESP Exome Variant Server 0.00008.
gnomAD v4.1: 37 of 1,549,764 alleles (0.0024%); highest among the groups gnomAD compares: Non-Finnish European, 0.0029%; no homozygotes.

Submission:

Labcorp Genetics (formerly Invitae), Labcorp
Classification: Uncertain significance for Congenital disorder of deglycosylation. Last evaluated: 2022-03-18. Review status: criteria provided, single submitter. Criteria: Invitae Variant Classification Sherloc (09022015). Collection method: clinical testing. Allele origin: germline.
Comment: This sequence change replaces valine, which is neutral and non-polar, with methionine, which is neutral and non-polar, at codon 521 of the NGLY1 protein (p.Val521Met). The frequency data for this variant in the population databases is considered unreliable, as metrics indicate poor data quality at this position in the gnomAD database. This variant has not been reported in the literature in individuals affected with NGLY1-related conditions. Algorithms developed to predict the effect of missense changes on protein structure and function are either unavailable or do not agree on the potential impact of this missense change (SIFT: "Tolerated"; PolyPhen-2: "Probably Damaging"; Align-GVGD: "Class C0"). In summary, the available evidence is currently insufficient to determine the role of this variant in disease. Therefore, it has been classified as a Variant of Uncertain Significance.

NM_018297.4(NGLY1):c.1561G>A (p.Val521Met)

Gene: NGLY1 (N-glycanase 1; minus strand). Cytogenetic location: 3p24.2.
Variant type: single nucleotide variant.
Coding change: c.1561G>A on transcript NM_018297.4 (MANE Select); coding-DNA position 1561, G replaced by A.
Protein change: p.Val521Met; replaces valine 521 with methionine.
Molecular consequence: missense variant.
Genome position (GRCh38, 1-based): chr3:25,729,183, C>T on the plus strand (G>A on the coding strand, the complement: NGLY1 is on the minus strand). VCF-style: chr3-25729183-C-T. GRCh37 (hg19) VCF-style: chr3-25770674-C-T.
Other names: c.1507G>A, p.Val503Met (NM_001145293.2); c.1435G>A, p.Val479Met (NM_001145294.2); c.1561G>A, p.Val521Met (NM_001145295.2); short protein forms V479M, V521M, V503M.
Identifiers: ClinVar variation 1935817 (VCV001935817.2), dbSNP rs141947390, ClinGen allele CA71651589.
Genomic context (GRCh38, chr3:25,729,183, plus strand): 5'-ATTAAGTTACCATGTGCCAGTCTGTTTCAACTTTTCTGAATATAGATTCCATTTTCCACA[C>T]GCCATTCTCCCATCCAGAAATGGTTTGATTGTTATTTGAAACTCGAACATAACGATCTTT-3'
Protein context (NP_060767.2, residues 511-531): NQTISGWENG[Val521Met]WKMESIFRKV